The following is an entry in ClinVar:

ClinVar aggregate classification (germline): Likely benign. Review status: criteria provided, single submitter (1 of 4 stars). 2 submissions from 2 submitters: Likely benign (1). 1 of the submissions does not count toward it. Last evaluated 2024-11-27.

Conditions:
DNAH17-related disorder. Also called: DNAH17-related condition.

Allele frequency attached by ClinVar (database versions not stated): gnomAD exomes 0.00065; ESP Exome Variant Server 0.00508; 1000 Genomes Project 0.00739; 1000 Genomes Project 30x 0.00750.
gnomAD v4.1: 1,748 of 1,565,098 alleles (0.11%); highest among the groups gnomAD compares: African/African-American, 1.7%; 16 homozygotes.

Submissions (2):

Blueprint Genetics
Classification: Likely benign. Last evaluated: 2024-11-27. Review status: criteria provided, single submitter. Criteria: ACMG Guidelines, 2015. Collection method: clinical testing. Allele origin: germline.

PreventionGenetics, part of Exact Sciences
Classification: Benign for DNAH17-related condition. Last evaluated: 2019-08-09. Review status: no assertion criteria provided. Collection method: clinical testing. Allele origin: germline. Not counted in ClinVar's aggregate classification.
Comment: This variant is classified as benign based on ACMG/AMP sequence variant interpretation guidelines (Richards et al. 2015 PMID: 25741868, with internal and published modifications).

NM_173628.4(DNAH17):c.833-7C>T

Gene: DNAH17 (dynein axonemal heavy chain 17; minus strand). Cytogenetic location: 17q25.3.
Variant type: single nucleotide variant.
Coding change: c.833-7C>T on transcript NM_173628.4 (MANE Select); 7 bases into the intron before coding-DNA position 833, C replaced by T.
Molecular consequence: intron variant.
Genome position (GRCh38, 1-based): chr17:78,571,040, G>A on the plus strand (C>T on the coding strand, the complement: DNAH17 is on the minus strand). VCF-style: chr17-78571040-G-A. GRCh37 (hg19) VCF-style: chr17-76567122-G-A.
Identifiers: ClinVar variation 3044889 (VCV003044889.3), dbSNP rs115727849, ClinGen allele CA8805453.